The following is an entry in ClinVar:

NM_133642.5(LARGE1):c.1288C>G (p.Leu430Val)

Gene: LARGE1 (LARGE xylosyl- and glucuronyltransferase 1; minus strand). Cytogenetic location: 22q12.3.
Variant type: single nucleotide variant.
Coding change: c.1288C>G on transcript NM_133642.5 (MANE Select); coding-DNA position 1288, C replaced by G.
Protein change: p.Leu430Val; replaces leucine 430 with valine.
Molecular consequence: missense variant.
Genome position (GRCh38, 1-based): chr22:33,316,248, G>C on the plus strand (C>G on the coding strand, the complement: LARGE1 is on the minus strand). VCF-style: chr22-33316248-G-C. GRCh37 (hg19) VCF-style: chr22-33712234-G-C.
Other names: c.1288C>G, p.Leu430Val (NM_001362949.2, NM_001362951.2, NM_001362953.2 and 6 more transcripts); c.1132C>G, p.Leu378Val (NM_001378629.1); c.685C>G, p.Leu229Val (NM_001378630.1); c.529C>G, p.Leu177Val (NM_001378631.1); c.1288C>G (NM_004737.6); short protein forms L430V, L177V, L229V, L378V.
Identifiers: ClinVar variation 464468 (VCV000464468.10), dbSNP rs775051738, ClinGen allele CA10202783.
Genomic context (GRCh38, chr22:33,316,248, plus strand): 5'-GCTCTCGCCGGAACTCATAGCACAGGTCGTCCTCGTCCAGCTCAGACAGCTGCTTCTGGA[G>C]CTGCAGGGTAGGAGAGAGGGCTTGGGCACGTGAAGAAGAGGTCCGAGGGGGCCCATGAGC-3'
Protein context (NP_598397.1, residues 420-440): PSEADVNSEN[Leu430Val]QKQLSELDED

ClinVar aggregate classification (germline): Uncertain significance. Review status: criteria provided, multiple submitters, no conflicts (2 of 4 stars). 2 submissions from 2 submitters: Uncertain significance (2). Last evaluated 2022-10-25.

Conditions:
Muscular dystrophy-dystroglycanopathy type B6 (MDDGB6). Also called: MUSCULAR DYSTROPHY-DYSTROGLYCANOPATHY (CONGENITAL WITH IMPAIRED INTELLECTUAL DEVELOPMENT), TYPE B, 6; MUSCULAR DYSTROPHY, CONGENITAL, LARGE-RELATED; MUSCULAR DYSTROPHY, CONGENITAL, TYPE 1D. Identifiers: MedGen C1837229, MONDO:0012138, OMIM 608840.

gnomAD v4.1: 2 of 1,613,438 alleles (0.00012%); highest among the groups gnomAD compares: Admixed American, 0.0033%; no homozygotes.

Submissions (2):

Labcorp Genetics (formerly Invitae), Labcorp
Classification: Uncertain significance for Muscular dystrophy-dystroglycanopathy type B6. Last evaluated: 2022-10-25. Review status: criteria provided, single submitter. Criteria: Invitae Variant Classification Sherloc (09022015). Collection method: clinical testing. Allele origin: germline.
Comment: This sequence change replaces leucine, which is neutral and non-polar, with valine, which is neutral and non-polar, at codon 430 of the LARGE1 protein (p.Leu430Val). The frequency data for this variant in the population databases is considered unreliable, as metrics indicate poor data quality at this position in the gnomAD database. This variant has not been reported in the literature in individuals affected with LARGE1-related conditions. ClinVar contains an entry for this variant (Variation ID: 464468). Algorithms developed to predict the effect of missense changes on protein structure and function (SIFT, PolyPhen-2, Align-GVGD) all suggest that this variant is likely to be tolerated. In summary, the available evidence is currently insufficient to determine the role of this variant in disease. Therefore, it has been classified as a Variant of Uncertain Significance.

Revvity Omics, Revvity
Classification: Uncertain significance. Last evaluated: 2022-06-08. Review status: criteria provided, single submitter. Criteria: ACMG Guidelines, 2015. Collection method: clinical testing. Allele origin: germline.